The following is an entry in ClinVar:

NM_007194.4(CHEK2):c.146C>G (p.Ser49Cys)

Gene: CHEK2 (checkpoint kinase 2; minus strand). Cytogenetic location: 22q12.1.
Variant type: single nucleotide variant.
Coding change: c.146C>G on transcript NM_007194.4 (MANE Select); coding-DNA position 146, C replaced by G.
Protein change: p.Ser49Cys; replaces serine 49 with cysteine.
Molecular consequence: missense variant.
Genome position (GRCh38, 1-based): chr22:28,734,576, G>C on the plus strand (C>G on the coding strand, the complement: CHEK2 is on the minus strand). VCF-style: chr22-28734576-G-C. GRCh37 (hg19) VCF-style: chr22-29130564-G-C.
Other names: p.S49C:TCC>TGC; c.146C>G, p.Ser49Cys (NM_001005735.3, NM_001349956.3, NM_145862.3); c.-632C>G (NM_001257387.3); short protein forms S49C.
Identifiers: ClinVar variation 182444 (VCV000182444.23), dbSNP rs730881694, ClinGen allele CA299099.

ClinVar aggregate classification (germline): Uncertain significance. Review status: criteria provided, multiple submitters, no conflicts (2 of 4 stars). 7 submissions from 7 submitters: Uncertain significance (7). Last evaluated 2026-04-30.

Conditions:
CHEK2-related disorder.
Hereditary cancer-predisposing syndrome. Also called: Neoplastic Syndromes, Hereditary; Tumor predisposition; Hereditary neoplastic syndrome; Hereditary Cancer Syndrome. Identifiers: Orphanet 140162, MedGen C0027672, MeSH D009386, MONDO:0015356.
Familial cancer of breast. Also called: Hereditary breast cancer; BREAST CANCER, FAMILIAL; hereditary breast carcinoma. Identifiers: Orphanet 227535, MedGen C0346153, MONDO:0016419, OMIM 114480. Disease mechanism: loss of function.

Allele frequency attached by ClinVar (database versions not stated): gnomAD 0.00001; TOPMed 0.00001.
gnomAD v4.1: 14 of 1,613,852 alleles (0.00087%); highest among the groups gnomAD compares: Non-Finnish European, 0.0012%; no homozygotes.

Submissions (7):

PreventionGenetics, part of Exact Sciences
Classification: Uncertain significance for CHEK2-related condition. Last evaluated: 2026-04-30. Review status: criteria provided, single submitter. Criteria: ACMG Guidelines, 2015. Collection method: clinical testing. Allele origin: germline.
Comment: The CHEK2 c.146C>G variant is predicted to result in the amino acid substitution p.Ser49Cys. This variant has been reported in the literature in an individual with a personal and/or family history of breast cancer (Table S1, McDonald et al. 2022. PubMed ID: 36315513). This variant is absent in a large population database (gnomAD), indicating this variant is rare. CHEK2 complementation assays showed this variant does not negatively impact CHEK2 function (Stolarova et al. 2023. PubMed ID: 37449874). This variant is interpreted as uncertain in ClinVar (Variation ID: 182444). At this time, the clinical significance of this variant is uncertain due to the absence of conclusive functional and genetic evidence.

Labcorp Genetics (formerly Invitae), Labcorp
Classification: Uncertain significance for Familial cancer of breast. Last evaluated: 2025-12-17. Review status: criteria provided, single submitter. Criteria: Invitae Variant Classification Sherloc (09022015). Collection method: clinical testing. Allele origin: germline.
Comment: This sequence change replaces serine, which is neutral and polar, with cysteine, which is neutral and slightly polar, at codon 49 of the CHEK2 protein (p.Ser49Cys). This variant is not present in population databases (gnomAD no frequency). This missense change has been observed in individual(s) with personal and/or family history of breast cancer (PMID: 36315513). ClinVar contains an entry for this variant (Variation ID: 182444). An algorithm developed to predict the effect of missense changes on protein structure and function (PolyPhen-2) suggests that this variant is likely to be disruptive. Experimental studies have shown that this missense change does not substantially affect CHEK2 function (PMID: 37449874). In summary, the available evidence is currently insufficient to determine the role of this variant in disease. Therefore, it has been classified as a Variant of Uncertain Significance.

Ambry Genetics
Classification: Uncertain significance for Hereditary cancer-predisposing syndrome. Last evaluated: 2025-09-04. Review status: criteria provided, single submitter. Criteria: Ambry Variant Classification Scheme 2023. Collection method: clinical testing. Allele origin: germline.
Comment: The p.S49C variant (also known as c.146C>G), located in coding exon 1 of the CHEK2 gene, results from a C to G substitution at nucleotide position 146. The serine at codon 49 is replaced by cysteine, an amino acid with dissimilar properties. This alteration was reported as functional in a study assessing CHEK2-complementation through quantification of KAP1 phosphorylation and CHK2 autophosphorylation in human RPE1-CHEK2-knockout cells (Stolarova L et al. Clin Cancer Res, 2023 Aug;29:3037-3050). This amino acid position is not well conserved in available vertebrate species. In addition, the in silico prediction for this alteration is inconclusive. Based on the available evidence, the clinical significance of this variant remains unclear.

Baylor Genetics
Classification: Uncertain significance for Familial cancer of breast. Last evaluated: 2024-02-14. Review status: criteria provided, single submitter. Criteria: ACMG Guidelines, 2015. Collection method: clinical testing. Allele origin: unknown.

Sema4
Classification: Uncertain significance for Hereditary cancer-predisposing syndrome. Last evaluated: 2021-09-20. Review status: criteria provided, single submitter. Criteria: Sema4 Curation Guidelines. Collection method: curation. Allele origin: germline.
Comment: To the best of our knowledge, the CHEK2 c.146C>G (p.S49C) variant has not been reported in individuals with CHEK2-related disease. This variant is not reported in the population database Genome Aggregation Database (PMID: 32461654), but has been reported in ClinVar (Variation ID: 182444). Functional studies have not been performed, and in silico predictions of the variant's effect on protein function are inconclusive. Based on the current evidence available, this variant is interpreted as a variant of uncertain significance.

Color Diagnostics, LLC DBA Color Health
Classification: Uncertain significance for Hereditary cancer-predisposing syndrome. Last evaluated: 2019-05-13. Review status: criteria provided, single submitter. Criteria: ACMG Guidelines, 2015. Collection method: clinical testing. Allele origin: germline.

GeneDx
Classification: Uncertain significance. Last evaluated: 2014-09-22. Review status: criteria provided, single submitter. Criteria: GeneDx Variant Classification (06012015). Collection method: clinical testing. Allele origin: germline. Affected: yes.
Comment: This variant is denoted CHEK2 c.146C>G at the cDNA level, p.Ser49Cys (S49C) at the protein level, and results in the change of a Serine to a Cysteine (TCC>TGC). This variant has not, to our knowledge, been published in the literature as pathogenic or benign. CHEK2 Ser49Cys was not observed in approximately 6,500 individuals of European and African American ancestry in the NHLBI Exome Sequencing Project, indicating it is not a common benign variant in these populations. Since Serine and Cysteine differ in polarity, charge, size or other properties, this is considered a non-conservative amino acid substitution. CHEK2 Ser49Cys occurs at a position that is highly conserved across species and is located in the SQ/TQ cluster domain (Desrichard 2011). In silico analyses predict that this variant is probably damaging to protein structure and function. Based on currently available information, it is unclear whether CHEK2 Ser49Cys is pathogenic or benign. We consider it to be a variant of uncertain significance.

Literature cited by the submitters: PubMed 36315513 (cited by Labcorp Genetics (formerly Invitae), Labcorp); PubMed 37449874 (cited by Labcorp Genetics (formerly Invitae), Labcorp and Ambry Genetics); PubMed 29641532 (cited by Ambry Genetics).